The following is an entry in ClinVar:

ClinVar aggregate classification (germline): Benign (1 of 4 stars; one submission).

Conditions:
Collagen 6-related myopathy. Identifiers: MedGen CN117976, MONDO:0100225.

Allele frequency attached by ClinVar (database versions not stated): gnomAD exomes 0.00028; gnomAD 0.00216 and 0.00228; TOPMed 0.00246; 1000 Genomes Project 0.00300; 1000 Genomes Project 30x 0.00328.
gnomAD v4.1: 372 of 312,028 alleles (0.12%); highest among the groups gnomAD compares: African/African-American, 0.75%; 2 homozygotes.

Submission:

Illumina Laboratory Services, Illumina
Classification: Benign for Collagen VI-related myopathy. Last evaluated: 2018-01-13. Review status: criteria provided, single submitter. Criteria: ICSL Variant Classification Criteria 13 December 2019. Collection method: clinical testing. Allele origin: germline.
Comment: This variant was observed in the ICSL laboratory as part of a predisposition screen in an ostensibly healthy population. It had not been previously curated by ICSL or reported in the Human Gene Mutation Database (HGMD: prior to June 1st, 2018), and was therefore a candidate for classification through an automated scoring system. Utilizing variant allele frequency, disease prevalence and penetrance estimates, and inheritance mode, an automated score was calculated to assess if this variant is too frequent to cause the disease. Based on the score and internal cut-off values, a variant classified as benign is not then subjected to further curation. The score for this variant resulted in a classification of benign for this disease.

NM_001848.3(COL6A1):c.*441G>A

Gene: COL6A1 (collagen type VI alpha 1 chain; plus strand). Cytogenetic location: 21q22.3.
Variant type: single nucleotide variant.
Coding change: c.*441G>A on transcript NM_001848.3 (MANE Select); 441 bases downstream of the stop codon, G replaced by A.
Molecular consequence: 3 prime UTR variant.
Genome position (GRCh38, 1-based): chr21:46,004,454, G>A. VCF-style: chr21-46004454-G-A. GRCh37 (hg19) VCF-style: chr21-47424368-G-A.
Identifiers: ClinVar variation 340343 (VCV000340343.5), dbSNP rs149531381, ClinGen allele CA10653703.